The following is an entry in ClinVar:

NM_001363118.2(SLC52A2):c.551dup (p.Leu185fs)

Gene: SLC52A2 (solute carrier family 52 member 2; plus strand). Cytogenetic location: 8q24.3.
Variant type: Duplication.
Coding change: c.551dup on transcript NM_001363118.2 (MANE Select); coding-DNA position 551, one base duplicated (C; older notation c.551dupC).
Protein change: p.Leu185fs; shifts the reading frame from leucine 185.
Molecular consequence: frameshift variant. On other transcripts: non-coding transcript variant (1), intron variant (5).
Genome position (GRCh38, 1-based): chr8:144,360,043, C duplicated; the last of 6 consecutive C bases (chr8:144,360,038-144,360,043); duplicating any one gives the same sequence. VCF-style (leftmost placement, unchanged base first): chr8-144360037-G-GC. GRCh37 (hg19) VCF-style: chr8-145583697-G-GC.
Other names: c.551dup, p.Leu185fs (NM_001253815.2, NM_001253816.2, NM_001363120.2 and 5 more transcripts); c.287dup, p.Leu97fs (NM_001410949.1); c.131-72dup (NM_001438494.1, NM_001438089.1, NM_001438499.1 and 2 more transcripts); short protein forms L185fs, L97fs.
Identifiers: ClinVar variation 4733142 (VCV004733142.3).

ClinVar aggregate classification (germline): Pathogenic/Likely pathogenic. Review status: criteria provided, multiple submitters, no conflicts (2 of 4 stars). 3 submissions from 3 submitters: Pathogenic (2); Likely pathogenic (1). Last evaluated 2026-06-23.

Conditions:
SLC52A2-related disorder. Also called: SLC52A2-related condition.
Optic neuropathy. Also called: Optic nerve disorder. Identifiers: MedGen C3887709, MONDO:0002135, HP:0001138.
Brown-Vialetto-van Laere syndrome 2. Also called: Riboflavin transporter deficiency type 2; SPINOCEREBELLAR ATAXIA WITH BLINDNESS AND DEAFNESS 2. Identifiers: Orphanet 572543, Orphanet 97229, MedGen C3553538, MONDO:0013867, OMIM 614707.

Submissions (3):

Genetics Laboratory, Great Ormond Street Hospital NHS Foundation Trust, North Thames Genomic Laboratory Hub
Classification: Pathogenic for Optic neuropathy. Last evaluated: 2026-06-23. Review status: criteria provided, single submitter. Criteria: ACGS Best Practice Guidelines for Variant Classification in Rare Disease 2024 v1.2. Collection method: clinical testing. Allele origin: germline. Affected: yes.
Comment: PM2_moderate, PVS1_very-strong

Labcorp Genetics (formerly Invitae), Labcorp
Classification: Pathogenic for Brown-Vialetto-van Laere syndrome 2. Last evaluated: 2025-06-27. Review status: criteria provided, single submitter. Criteria: Invitae Variant Classification Sherloc (09022015). Collection method: clinical testing. Allele origin: germline.
Comment: This sequence change creates a premature translational stop signal (p.Leu185Alafs*5) in the SLC52A2 gene. It is expected to result in an absent or disrupted protein product. Loss-of-function variants in SLC52A2 are known to be pathogenic (PMID: 24253200). This variant is not present in population databases (gnomAD no frequency). This variant has not been reported in the literature in individuals affected with SLC52A2-related conditions. For these reasons, this variant has been classified as Pathogenic.

Blueprint Genetics
Classification: Likely pathogenic for SLC52A2-related disorders. Last evaluated: 2024-09-16. Review status: criteria provided, single submitter. Criteria: ACMG Guidelines, 2015. Collection method: clinical testing. Allele origin: germline. Affected: yes. Observed: 5 variant alleles.

Literature cited by the submitters: PubMed 24253200 (cited by Labcorp Genetics (formerly Invitae), Labcorp).